The following is an entry in ClinVar:

NM_000081.4(LYST):c.9084G>T (p.Glu3028Asp)

Gene: LYST (lysosomal trafficking regulator; minus strand). Cytogenetic location: 1q42.3.
Variant type: single nucleotide variant.
Coding change: c.9084G>T on transcript NM_000081.4 (MANE Select); coding-DNA position 9084, G replaced by T.
Protein change: p.Glu3028Asp; replaces glutamic acid 3028 with aspartic acid.
Molecular consequence: missense variant.
Genome position (GRCh38, 1-based): chr1:235,729,618, C>A on the plus strand (G>T on the coding strand, the complement: LYST is on the minus strand). VCF-style: chr1-235729618-C-A. GRCh37 (hg19) VCF-style: chr1-235892918-C-A.
Other names: c.9084G>T, p.Glu3028Asp (NM_001301365.1); short protein forms E3028D.
Identifiers: ClinVar variation 1479667 (VCV001479667.7), dbSNP rs1187992258, ClinGen allele CA344948617.

ClinVar aggregate classification (germline): Uncertain significance (1 of 4 stars; one submission).

Conditions:
Chédiak-Higashi syndrome (CHS). Also called: Chediak-Higashi Syndrome. Identifiers: Orphanet 167, MedGen C0007965, MONDO:0008963, OMIM 214500.

Allele frequency attached by ClinVar (database versions not stated): gnomAD exomes below 0.00001.
gnomAD v4.1: 3 of 1,611,076 alleles (0.00019%); no homozygotes.

Submission:

Labcorp Genetics (formerly Invitae), Labcorp
Classification: Uncertain significance for Chédiak-Higashi syndrome. Last evaluated: 2021-04-23. Review status: criteria provided, single submitter. Criteria: Invitae Variant Classification Sherloc (09022015). Collection method: clinical testing. Allele origin: germline.
Comment: This sequence change replaces glutamic acid with aspartic acid at codon 3028 of the LYST protein (p.Glu3028Asp). The glutamic acid residue is highly conserved and there is a small physicochemical difference between glutamic acid and aspartic acid. This variant is not present in population databases (ExAC no frequency). In summary, the available evidence is currently insufficient to determine the role of this variant in disease. Therefore, it has been classified as a Variant of Uncertain Significance. Algorithms developed to predict the effect of missense changes on protein structure and function are either unavailable or do not agree on the potential impact of this missense change (SIFT: "Tolerated"; PolyPhen-2: "Probably Damaging"; Align-GVGD: "Class C0"). This variant has not been reported in the literature in individuals with LYST-related conditions.